The following is an entry in ClinVar:

NM_006019.4(TCIRG1):c.8C>T (p.Ser3Phe)

Gene: TCIRG1 (T cell immune regulator 1, ATPase H+ transporting V0 subunit a3; plus strand). Cytogenetic location: 11q13.2.
Variant type: single nucleotide variant.
Coding change: c.8C>T on transcript NM_006019.4 (MANE Select); coding-DNA position 8, C replaced by T.
Protein change: p.Ser3Phe; replaces serine 3 with phenylalanine.
Molecular consequence: missense variant. On other transcripts: 5 prime UTR variant (1).
Genome position (GRCh38, 1-based): chr11:68,041,279, C>T. VCF-style: chr11-68041279-C-T. GRCh37 (hg19) VCF-style: chr11-67808746-C-T.
Other names: c.-1242C>T (NM_001351059.2); c.8C>T (NM_006019.3); short protein forms S3F.
Identifiers: ClinVar variation 2154147 (VCV002154147.4), dbSNP rs201972729, ClinGen allele CA6146609.

ClinVar aggregate classification (germline): Uncertain significance. Review status: criteria provided, multiple submitters, no conflicts (2 of 4 stars). 2 submissions from 2 submitters: Uncertain significance (2). Last evaluated 2025-01-26.

Conditions:
Inborn genetic diseases. Identifiers: MedGen C0950123, MeSH D030342.

Allele frequency attached by ClinVar (database versions not stated): gnomAD 0.00008; TOPMed 0.00008; ExAC 0.00013; ESP Exome Variant Server 0.00023.
gnomAD v4.1: 128 of 1,612,434 alleles (0.0079%); highest among the groups gnomAD compares: Middle Eastern, 0.016%; no homozygotes.

Submissions (2):

Ambry Genetics
Classification: Uncertain significance for Inborn genetic diseases. Last evaluated: 2025-01-26. Review status: criteria provided, single submitter. Criteria: Ambry Variant Classification Scheme 2023. Collection method: clinical testing. Allele origin: germline.

Labcorp Genetics (formerly Invitae), Labcorp
Classification: Uncertain significance. Last evaluated: 2024-11-08. Review status: criteria provided, single submitter. Criteria: Invitae Variant Classification Sherloc (09022015). Collection method: clinical testing. Allele origin: germline.
Comment: This sequence change replaces serine, which is neutral and polar, with phenylalanine, which is neutral and non-polar, at codon 3 of the TCIRG1 protein (p.Ser3Phe). This variant is present in population databases (rs201972729, gnomAD 0.02%). This variant has not been reported in the literature in individuals affected with TCIRG1-related conditions. ClinVar contains an entry for this variant (Variation ID: 2154147). An algorithm developed to predict the effect of missense changes on protein structure and function (PolyPhen-2) suggests that this variant is likely to be disruptive. In summary, the available evidence is currently insufficient to determine the role of this variant in disease. Therefore, it has been classified as a Variant of Uncertain Significance.